The following is an entry in ClinVar:

NM_001099922.3(ALG13):c.2369-7dup

Gene: ALG13 (ALG13 UDP-N-acetylglucosaminyltransferase subunit; plus strand). Cytogenetic location: Xq23.
Variant type: Duplication.
Coding change: c.2369-7dup on transcript NM_001099922.3 (MANE Select); 7 bases into the intron before coding-DNA position 2369, one base duplicated (T; older notation c.2369-7dupT).
Molecular consequence: intron variant.
Genome position (GRCh38, 1-based): chrX:111,730,388, T duplicated; the last of 6 consecutive T bases (chrX:111,730,383-111,730,388); duplicating any one gives the same sequence. VCF-style (leftmost placement, unchanged base first): chrX-111730382-C-CT. GRCh37 (hg19) VCF-style: chrX-110973610-C-CT.
Other names: c.2057-7dup (NM_001257237.2, NM_001257234.2, NM_001257230.2); c.1883-7dup (NM_001324293.1); c.2135-7dup (NM_001257231.2); c.2369-7dup (NM_001324292.2); c.2369-7dupT (NM_001099922.2).
Identifiers: ClinVar variation 512893 (VCV000512893.1), dbSNP rs1556512668, ClinGen allele CA658799846.

ClinVar aggregate classification (germline): Likely benign (1 of 4 stars; one submission).

Submission:

GeneDx
Classification: Likely benign. Last evaluated: 2017-10-25. Review status: criteria provided, single submitter. Criteria: GeneDx Variant Classification (06012015). Collection method: clinical testing. Allele origin: germline. Affected: yes.
Comment: This variant is considered likely benign or benign based on one or more of the following criteria: it is a conservative change, it occurs at a poorly conserved position in the protein, it is predicted to be benign by multiple in silico algorithms, and/or has population frequency not consistent with disease.